The following is an entry in ClinVar:

ClinVar aggregate classification (germline): Uncertain significance (1 of 4 stars; one submission).

Submission:

CeGaT Center for Human Genetics Tuebingen
Classification: Uncertain significance. Last evaluated: 2025-01-01. Review status: criteria provided, single submitter. Criteria: CeGaT Center For Human Genetics Tuebingen Variant Classification Criteria Version 2. Collection method: clinical testing. Allele origin: germline. Affected: yes. Observed: 1 variant allele.
Comment: CDKN1C: PM2

NM_001122630.2(CDKN1C):c.46A>G (p.Thr16Ala)

Gene: CDKN1C (cyclin dependent kinase inhibitor 1C; minus strand). Cytogenetic location: 11p15.4.
Variant type: single nucleotide variant.
Coding change: c.46A>G on transcript NM_001122630.2 (MANE Select); coding-DNA position 46, A replaced by G.
Protein change: p.Thr16Ala; replaces threonine 16 with alanine.
Molecular consequence: missense variant.
Genome position (GRCh38, 1-based): chr11:2,885,411, T>C on the plus strand (A>G on the coding strand, the complement: CDKN1C is on the minus strand). VCF-style: chr11-2885411-T-C. GRCh37 (hg19) VCF-style: chr11-2906641-T-C.
Other names: c.79A>G, p.Thr27Ala (NM_000076.2, NM_001362474.2); c.46A>G, p.Thr16Ala (NM_001122631.2, NM_001362475.2); short protein forms T16A, T27A.
Identifiers: ClinVar variation 3772311 (VCV003772311.13).
Genomic context (GRCh38, chr11:2,885,411, plus strand): 5'-GCAGCTCGCGGCTCAGCTCCTCGTGGTCCACCGGCCCGAAGAGGCTGCGGCAGGCGCTGG[T>C]GCGCACTAGTACTGGGAAGGTCCCACGGGCGACAAGACGCTCCATCGTGGATGTGCTGCG-3'
Protein context (NP_001116102.1, residues 6-26): ARGTFPVLVR[Thr16Ala]SACRSLFGPV